The following is an entry in ClinVar:

NM_001330700.2(TOP2B):c.4321dup (p.Ser1441fs)

Gene: TOP2B (DNA topoisomerase II beta; minus strand). Cytogenetic location: 3p24.2.
Variant type: Duplication.
Coding change: c.4321dup on transcript NM_001330700.2 (MANE Select); coding-DNA position 4321, one base duplicated (A; older notation c.4321dupA).
Protein change: p.Ser1441fs; shifts the reading frame from serine 1441.
Molecular consequence: frameshift variant.
Genome position (GRCh38, 1-based): chr3:25,606,100, T duplicated on the plus strand (A on the coding strand, the reverse complement: TOP2B is on the minus strand); the first of 7 consecutive T bases (chr3:25,606,100-25,606,106); duplicating any one gives the same sequence. VCF-style (leftmost placement, unchanged base first): chr3-25606099-C-CT. GRCh37 (hg19) VCF-style: chr3-25647590-C-CT.
Other names: c.4306dup, p.Ser1436fs (NM_001068.3); short protein forms S1436fs, S1441fs.
Identifiers: ClinVar variation 3663520 (VCV003663520.2).
Genomic context (GRCh38, chr3:25,606,099, plus strand): 5'-ATACCATCTTCTGACTTCTGAGAATATGAAGGAAATGAGAAGAGATTTCCAAAATCCTGA[C>CT]TTTTTTTGTCATGCAAAGATTTTCTATTAGAAAGAAAATAAACACCACAGAGGATACAAT-3'

ClinVar aggregate classification (germline): Uncertain significance (1 of 4 stars; one submission).

Submission:

Labcorp Genetics (formerly Invitae), Labcorp
Classification: Uncertain significance. Last evaluated: 2024-08-27. Review status: criteria provided, single submitter. Criteria: Invitae Variant Classification Sherloc (09022015). Collection method: clinical testing. Allele origin: germline.
Comment: This sequence change creates a premature translational stop signal (p.Ser1436Lysfs*20) in the TOP2B gene. It is expected to result in an absent or disrupted protein product. However, the current clinical and genetic evidence is not sufficient to establish whether loss-of-function variants in TOP2B cause disease. This variant is not present in population databases (gnomAD no frequency). This variant has not been reported in the literature in individuals affected with TOP2B-related conditions. In summary, the available evidence is currently insufficient to determine the role of this variant in disease. Therefore, it has been classified as a Variant of Uncertain Significance.